The following is an entry in ClinVar:

NM_000090.4(COL3A1):c.2290A>G (p.Thr764Ala)

Gene: COL3A1 (collagen type III alpha 1 chain; plus strand). Cytogenetic location: 2q32.2.
Variant type: single nucleotide variant.
Coding change: c.2290A>G on transcript NM_000090.4 (MANE Select); coding-DNA position 2290, A replaced by G.
Protein change: p.Thr764Ala; replaces threonine 764 with alanine.
Molecular consequence: missense variant.
Genome position (GRCh38, 1-based): chr2:189,001,403, A>G. VCF-style: chr2-189001403-A-G. GRCh37 (hg19) VCF-style: chr2-189866129-A-G.
Other names: short protein forms T764A.
Identifiers: ClinVar variation 919156 (VCV000919156.6), dbSNP rs775003113, ClinGen allele CA075193.

ClinVar aggregate classification (germline): Conflicting classifications of pathogenicity. Review status: criteria provided, conflicting classifications (1 of 4 stars). 3 submissions from 3 submitters: Uncertain significance (2); Likely benign (1). Last evaluated 2026-04-17.

Conditions:
Ehlers-Danlos syndrome, type 4 (EDSVASC). Also called: Ehlers-Danlos Syndrome Type IV; Ehlers-Danlos syndrome vascular type; Ehlers Danlos syndrome, ecchymotic type; Ehlers Danlos syndrome, arterial type; Ehlers Danlos syndrome, Sack-Barabas type. Identifiers: Orphanet 286, MedGen C0268338, MONDO:0017314, OMIM 130050.
Familial thoracic aortic aneurysm and aortic dissection (TAAD). Also called: Thoracic aortic aneurysms and dissections. Identifiers: Orphanet 91387, MedGen C4707243, MONDO:0019625.

Allele frequency attached by ClinVar (database versions not stated): gnomAD exomes below 0.00001; ExAC 0.00001; gnomAD 0.00001; TOPMed 0.00001.
gnomAD v4.1: 4 of 1,613,478 alleles (0.00025%); highest among the groups gnomAD compares: Non-Finnish European, 0.00034%; no homozygotes.

Submissions (3):

Women's Health and Genetics/Laboratory Corporation of America, LabCorp
Classification: Uncertain significance. Last evaluated: 2026-04-17. Review status: criteria provided, single submitter. Criteria: LabCorp Variant Classification Summary - May 2015. Collection method: clinical testing. Allele origin: germline.
Comment: Variant summary: COL3A1 c.2290A>G (p.Thr764Ala) results in a non-conservative amino acid change in the encoded protein sequence. Algorithms developed to predict the effect of missense changes on protein structure and function are either unavailable or do not agree on the potential impact of this missense change. The variant allele was found at a frequency of 4e-06 in 250948 control chromosomes. The available data on variant occurrences in the general population are insufficient to allow any conclusion about variant significance. To our knowledge, no occurrence of c.2290A>G in individuals affected with COL3A1-related conditions and no experimental evidence demonstrating its impact on protein function have been reported. ClinVar contains an entry for this variant (Variation ID: 919156). Based on the evidence outlined above, the variant was classified as uncertain significance.

Color Diagnostics, LLC DBA Color Health
Classification: Likely benign for Familial thoracic aortic aneurysm and aortic dissection. Last evaluated: 2024-09-12. Review status: criteria provided, single submitter. Criteria: ACMG Guidelines, 2015. Collection method: clinical testing. Allele origin: germline.

Labcorp Genetics (formerly Invitae), Labcorp
Classification: Uncertain significance for Ehlers-Danlos syndrome, type 4. Last evaluated: 2022-02-19. Review status: criteria provided, single submitter. Criteria: Invitae Variant Classification Sherloc (09022015). Collection method: clinical testing. Allele origin: germline.
Comment: This sequence change replaces threonine, which is neutral and polar, with alanine, which is neutral and non-polar, at codon 764 of the COL3A1 protein (p.Thr764Ala). This variant is present in population databases (rs775003113, gnomAD 0.0009%). This variant has not been reported in the literature in individuals affected with COL3A1-related conditions. ClinVar contains an entry for this variant (Variation ID: 919156). Advanced modeling of protein sequence and biophysical properties (such as structural, functional, and spatial information, amino acid conservation, physicochemical variation, residue mobility, and thermodynamic stability) performed at Invitae indicates that this missense variant is not expected to disrupt COL3A1 protein function. In summary, the available evidence is currently insufficient to determine the role of this variant in disease. Therefore, it has been classified as a Variant of Uncertain Significance.